The following is an entry in ClinVar:

NM_015971.4(MRPS7):c.83+23C>G

Genes: GGA3 (golgi associated, gamma adaptin ear containing, ARF binding protein 3; minus strand), MRPS7 (mitochondrial ribosomal protein S7; plus strand). Cytogenetic location: 17q25.1.
Variant type: single nucleotide variant.
Coding change: c.83+23C>G on transcript NM_015971.4 (MANE Select); 23 bases into the intron after coding-DNA position 83, C replaced by G.
Molecular consequence: intron variant.
Genome position (GRCh38, 1-based): chr17:75,262,006, C>G. VCF-style: chr17-75262006-C-G. GRCh37 (hg19) VCF-style: chr17-73258087-C-G.
Other names: c.-228+276G>C (NM_001172704.3); c.-177+276G>C (NM_001172703.3).
Identifiers: ClinVar variation 676154 (VCV000676154.6), dbSNP rs62085969, ClinGen allele CA8760202.

ClinVar aggregate classification (germline): Benign. Review status: criteria provided, multiple submitters, no conflicts (2 of 4 stars). 3 submissions from 3 submitters: Benign (3). Last evaluated 2021-09-05.

Conditions:
Combined oxidative phosphorylation deficiency 34 (COXPD34). Also called: Syndromic sensorineural deafness due to combined oxidative phosphorylation defect. Identifiers: Orphanet 457223, MedGen C4693450, MONDO:0054741, OMIM 617872.

Allele frequency attached by ClinVar (database versions not stated): 1000 Genomes Project 0.09685.

Submissions (3):

Genome-Nilou Lab
Classification: Benign for Combined oxidative phosphorylation deficiency 34. Last evaluated: 2021-09-05. Review status: criteria provided, single submitter. Criteria: ACMG Guidelines, 2015. Collection method: clinical testing. Allele origin: germline. Affected: no.

GeneDx
Classification: Benign. Last evaluated: 2018-06-14. Review status: criteria provided, single submitter. Criteria: GeneDx Variant Classification (06012015). Collection method: clinical testing. Allele origin: germline. Affected: yes.
Comment: This variant is considered likely benign or benign based on one or more of the following criteria: it is a conservative change, it occurs at a poorly conserved position in the protein, it is predicted to be benign by multiple in silico algorithms, and/or has population frequency not consistent with disease.

Breakthrough Genomics
Classification: Benign. Review status: criteria provided, single submitter. Criteria: ACMG Guidelines, 2015. Collection method: not provided. Allele origin: germline. Inheritance: Autosomal recessive inheritance. Affected: yes.